The following is an entry in ClinVar:

ClinVar aggregate classification (germline): Uncertain significance (1 of 4 stars; one submission).

Conditions:
Acyl-CoA oxidase deficiency. Also called: Peroxisomal acyl-CoA oxidase deficiency; STRAIGHT-CHAIN ACYL-CoA OXIDASE DEFICIENCY; Pseudoneonatal adrenoleukodystrophy. Identifiers: Orphanet 2971, MedGen C1849678, MONDO:0009919, OMIM 264470. Disease mechanism: loss of function.

Allele frequency attached by ClinVar (database versions not stated): ESP Exome Variant Server 0.00008.
gnomAD v4.1: 65 of 1,613,826 alleles (0.004%); highest among the groups gnomAD compares: Non-Finnish European, 0.0052%; no homozygotes.

Submission:

Labcorp Genetics (formerly Invitae), Labcorp
Classification: Uncertain significance for Acyl-CoA oxidase deficiency. Last evaluated: 2021-09-24. Review status: criteria provided, single submitter. Criteria: Invitae Variant Classification Sherloc (09022015). Collection method: clinical testing. Allele origin: germline.
Comment: This sequence change replaces glutamic acid with aspartic acid at codon 648 of the ACOX1 protein (p.Glu648Asp). The glutamic acid residue is moderately conserved and there is a small physicochemical difference between glutamic acid and aspartic acid. This variant is present in population databases (rs374691393, ExAC 0.005%). This variant has not been reported in the literature in individuals with ACOX1-related disease. Algorithms developed to predict the effect of missense changes on protein structure and function output the following: SIFT: "Tolerated"; PolyPhen-2: "Benign"; Align-GVGD: "Class C0". The aspartic acid amino acid residue is found in multiple mammalian species, suggesting that this missense change does not adversely affect protein function. These predictions have not been confirmed by published functional studies and their clinical significance is uncertain. In summary, the available evidence is currently insufficient to determine the role of this variant in disease. Therefore, it has been classified as a Variant of Uncertain Significance.

NM_004035.7(ACOX1):c.1944A>T (p.Glu648Asp)

Gene: ACOX1 (acyl-CoA oxidase 1; minus strand). Cytogenetic location: 17q25.1.
Variant type: single nucleotide variant.
Coding change: c.1944A>T on transcript NM_004035.7 (MANE Select); coding-DNA position 1944, A replaced by T.
Protein change: p.Glu648Asp; replaces glutamic acid 648 with aspartic acid.
Molecular consequence: missense variant.
Genome position (GRCh38, 1-based): chr17:75,946,787, T>A on the plus strand (A>T on the coding strand, the complement: ACOX1 is on the minus strand). VCF-style: chr17-75946787-T-A. GRCh37 (hg19) VCF-style: chr17-73942868-T-A.
Other names: c.1830A>T, p.Glu610Asp (NM_001185039.2); c.1944A>T, p.Glu648Asp (NM_007292.6); short protein forms E610D, E648D.
Identifiers: ClinVar variation 1497262 (VCV001497262.5), dbSNP rs374691393, ClinGen allele CA8776618.
Genomic context (GRCh38, chr17:75,946,787, plus strand): 5'-TAAACTTGTCCTTGTGACACTTCAGAGCTTGGACTGCAGTGACTTCAGGTGCTTGTAAGA[T>A]TCGTGGACCTGTGGGGAAAGGAGAGAGAAGAACTACTAATAAAGAGTTTGCCATGTTAAA-3'
Protein context (NP_004026.2, residues 638-658): NSPLNKAEVH[Glu648Asp]SYKHLKSLQS